The following is an entry in ClinVar:

NM_001379210.1(SLC25A26):c.719G>T (p.Gly240Val)

Gene: SLC25A26 (solute carrier family 25 member 26; plus strand). Cytogenetic location: 3p14.1.
Variant type: single nucleotide variant.
Coding change: c.719G>T on transcript NM_001379210.1 (MANE Select); coding-DNA position 719, G replaced by T.
Protein change: p.Gly240Val; replaces glycine 240 with valine.
Molecular consequence: missense variant. On other transcripts: 3 prime UTR variant (2), non-coding transcript variant (15).
Genome position (GRCh38, 1-based): chr3:66,377,701, G>T. VCF-style: chr3-66377701-G-T. GRCh37 (hg19) VCF-style: chr3-66428125-G-T.
Other names: c.455G>T, p.Gly152Val (NM_001164796.1, NM_001350993.1, NM_001400711.1); c.*34G>T (NM_001400705.1, NM_001400709.1); c.674G>T, p.Gly225Val (NM_001400707.1); c.410G>T, p.Gly137Val (NM_001400714.1); c.719G>T, p.Gly240Val (NM_173471.4); short protein forms G137V, G152V, G225V, G240V.
Identifiers: ClinVar variation 1703515 (VCV001703515.2), dbSNP rs756504810, ClinGen allele CA2483893.

ClinVar aggregate classification (germline): Uncertain significance (1 of 4 stars; one submission).

Conditions:
Combined oxidative phosphorylation deficiency 28 (COXPD28). Identifiers: Orphanet 466784, MedGen C5569081, MONDO:0014775, OMIM 616794.

Allele frequency attached by ClinVar (database versions not stated): TOPMed 0.00002; gnomAD 0.00003.
gnomAD v4.1: 42 of 1,613,100 alleles (0.0026%); highest among the groups gnomAD compares: Non-Finnish European, 0.0033%; no homozygotes.

Submission:

Center for Human Genetics and Genomic Medicine, Uniklinik Rwth Aachen
Classification: Uncertain significance for Combined oxidative phosphorylation deficiency 28. Last evaluated: 2022-08-10. Review status: criteria provided, single submitter. Criteria: ACMG Guidelines, 2015. Collection method: clinical testing. Allele origin: maternal. Inheritance: Autosomal recessive inheritance. Affected: yes. Observed: 1 heterozygote.
Comment: The detected change is reported in the dbSNP database (dbSNP151 as of 08/10/2022) with the designation rs756504810. In gnomAD it is listed with a frequency of 0.001062% (3/282476) (as of 08/10/2022). Bioinformatically, the change is classified as "probably disease-causing" (PolyPhen2, Mutation Taster, SIFT, CADDphred 33). It is located in the protein domains "IPR018108" and "Mitochondrial carrier domain superfamily" of the corresponding protein and the nucleotide or amino acid in question is highly conserved. Based on the current state of knowledge, the variant can be classified as a “variant of uncertain clinical significance” (ACMG criteria). It was observed in trans with the variant NM_173471.4:c.554G>A, which was also classified as "variant of uncertain clinical significance".